The following is an entry in ClinVar:

NM_016356.5(DCDC2):c.68G>T (p.Arg23Leu)

Genes: DCDC2 (doublecortin domain containing 2; minus strand), KAAG1 (kidney associated DCDC2 antisense RNA 1; plus strand). Cytogenetic location: 6p22.3.
Variant type: single nucleotide variant.
Coding change: c.68G>T on transcript NM_016356.5 (MANE Select); coding-DNA position 68, G replaced by T.
Protein change: p.Arg23Leu; replaces arginine 23 with leucine.
Molecular consequence: missense variant.
Genome position (GRCh38, 1-based): chr6:24,357,683, C>A on the plus strand (G>T on the coding strand, the complement: DCDC2 is on the minus strand). VCF-style: chr6-24357683-C-A. GRCh37 (hg19) VCF-style: chr6-24357911-C-A.
Other names: p.Arg23Leu; c.68G>T, p.Arg23Leu (NM_001195610.2); short protein forms R23L.
Identifiers: ClinVar variation 575006 (VCV000575006.20), dbSNP rs745333409, ClinGen allele CA3654888.

ClinVar aggregate classification (germline): Conflicting classifications of pathogenicity. Review status: criteria provided, conflicting classifications (1 of 4 stars). 5 submissions from 5 submitters: Uncertain significance (2); Likely benign (2). 1 of the submissions does not count toward it. Last evaluated 2026-01-24.

Conditions:
DCDC2-related disorder. Also called: DCDC2-related condition.
Autosomal recessive nonsyndromic hearing loss 66 (DFNB66). Also called: Deafness, autosomal recessive 66. Identifiers: Orphanet 90636, MedGen C1857750, MONDO:0012442, OMIM 610212.
Isolated neonatal sclerosing cholangitis (NSC). Also called: Sclerosing cholangitis, neonatal. Identifiers: Orphanet 480556, MedGen C4479344, MONDO:0018816, OMIM 617394.

Allele frequency attached by ClinVar (database versions not stated): ExAC 0.00017; gnomAD 0.00008 and 0.00009; TOPMed 0.00008; gnomAD exomes 0.00005 and 0.00026.
gnomAD v4.1: 89 of 1,613,306 alleles (0.0055%); highest among the groups gnomAD compares: Admixed American, 0.14%; 1 homozygote.

Submissions (5):

Labcorp Genetics (formerly Invitae), Labcorp
Classification: Likely benign for Autosomal recessive nonsyndromic hearing loss 66; Isolated neonatal sclerosing cholangitis. Last evaluated: 2026-01-24. Review status: criteria provided, single submitter. Criteria: Invitae Variant Classification Sherloc (09022015). Collection method: clinical testing. Allele origin: germline.

Mayo Clinic Laboratories, Mayo Clinic
Classification: Uncertain significance. Last evaluated: 2025-02-06. Review status: criteria provided, single submitter. Criteria: ACMG Guidelines, 2015. Collection method: clinical testing. Allele origin: germline. Observed: 1 variant allele.
Comment: BS1_supporting, PP3

GeneDx
Classification: Likely benign. Last evaluated: 2020-01-31. Review status: criteria provided, single submitter. Criteria: GeneDx Variant Classification Process June 2021. Collection method: clinical testing. Allele origin: germline. Affected: yes.

Eurofins Ntd Llc (ga)
Classification: Uncertain significance. Last evaluated: 2018-01-19. Review status: criteria provided, single submitter. Criteria: EGL Classification Definitions 2015. Collection method: clinical testing. Allele origin: germline. Observed: 4 variant alleles, 4 heterozygotes.

PreventionGenetics, part of Exact Sciences
Classification: Likely benign for DCDC2-related condition. Last evaluated: 2023-08-22. Review status: no assertion criteria provided. Collection method: clinical testing. Allele origin: germline. Not counted in ClinVar's aggregate classification.
Comment: This variant is classified as likely benign based on ACMG/AMP sequence variant interpretation guidelines (Richards et al. 2015 PMID: 25741868, with internal and published modifications).